The following is an entry in ClinVar:

NM_000271.5(NPC1):c.1947+12_1947+13insGGGC

Gene: NPC1 (NPC intracellular cholesterol transporter 1; minus strand). Cytogenetic location: 18q11.2.
Variant type: Insertion.
Coding change: c.1947+12_1947+13insGGGC on transcript NM_000271.5 (MANE Select); bases 12 to 13 of the intron after coding-DNA position 1947, GGGC inserted.
Molecular consequence: intron variant.
Genome position: GRCh38 VCF-style: chr18-23544947-C-CCCCG. GRCh37 (hg19) VCF-style: chr18-21124911-C-CCCCG.
Other names: c.1947+12_1947+13insCGGG (NM_000271.4).
Identifiers: ClinVar variation 1611933 (VCV001611933.10), dbSNP rs1555634656, ClinGen allele CA628978808.

ClinVar aggregate classification (germline): Likely benign. Review status: criteria provided, single submitter (1 of 4 stars). 2 submissions from 2 submitters: Likely benign (1). 1 of the submissions does not count toward it. Last evaluated 2026-02-02.

Conditions:
NPC1-related disorder. Also called: NPC1-related condition.
Niemann-Pick disease, type C1. Also called: NEUROVISCERAL STORAGE DISEASE WITH VERTICAL SUPRANUCLEAR OPHTHALMOPLEGIA; NIEMANN-PICK DISEASE WITH CHOLESTEROL ESTERIFICATION BLOCK; NIEMANN-PICK DISEASE WITHOUT SPHINGOMYELINASE DEFICIENCY; NIEMANN-PICK DISEASE, CHRONIC NEURONOPATHIC FORM; NIEMANN-PICK DISEASE, VARIANT TYPE C1. Identifiers: Orphanet 646, MedGen C3179455, MONDO:0009757, OMIM 257220.

Submissions (2):

Labcorp Genetics (formerly Invitae), Labcorp
Classification: Likely benign for Niemann-Pick disease, type C1. Last evaluated: 2026-02-02. Review status: criteria provided, single submitter. Criteria: Invitae Variant Classification Sherloc (09022015). Collection method: clinical testing. Allele origin: germline.

PreventionGenetics, part of Exact Sciences
Classification: Likely benign for NPC1-related condition. Last evaluated: 2024-01-04. Review status: no assertion criteria provided. Collection method: clinical testing. Allele origin: germline. Not counted in ClinVar's aggregate classification.
Comment: This variant is classified as likely benign based on ACMG/AMP sequence variant interpretation guidelines (Richards et al. 2015 PMID: 25741868, with internal and published modifications).